The following is an entry in ClinVar:

ClinVar aggregate classification (germline): Uncertain significance (1 of 4 stars; one submission).

Conditions:
Familial acute necrotizing encephalopathy (IIAE3). Also called: ENCEPHALOPATHY, ACUTE, INFECTION-INDUCED, SUSCEPTIBILITY TO, 3; Susceptibility to Acute Necrotizing Encephalopathy 1. Identifiers: Orphanet 88619, MedGen C2675556, MONDO:0011953, OMIM 608033.

Allele frequency attached by ClinVar (database versions not stated): TOPMed below 0.00001.

Submission:

Labcorp Genetics (formerly Invitae), Labcorp
Classification: Uncertain significance for Familial acute necrotizing encephalopathy. Last evaluated: 2025-08-31. Review status: criteria provided, single submitter. Criteria: Invitae Variant Classification Sherloc (09022015). Collection method: clinical testing. Allele origin: germline.
Comment: This sequence change replaces alanine, which is neutral and non-polar, with serine, which is neutral and polar, at codon 659 of the RANBP2 protein (p.Ala659Ser). This variant is not present in population databases (gnomAD no frequency). This variant has not been reported in the literature in individuals affected with RANBP2-related conditions. ClinVar contains an entry for this variant (Variation ID: 1416151). An algorithm developed to predict the effect of missense changes on protein structure and function (PolyPhen-2) suggests that this variant is likely to be tolerated. In summary, the available evidence is currently insufficient to determine the role of this variant in disease. Therefore, it has been classified as a Variant of Uncertain Significance.

NM_006267.5(RANBP2):c.1975G>T (p.Ala659Ser)

Gene: RANBP2 (RAN binding protein 2; plus strand). Cytogenetic location: 2q13.
Variant type: single nucleotide variant.
Coding change: c.1975G>T on transcript NM_006267.5 (MANE Select); coding-DNA position 1975, G replaced by T.
Protein change: p.Ala659Ser; replaces alanine 659 with serine.
Molecular consequence: missense variant.
Genome position (GRCh38, 1-based): chr2:108,753,483, G>T. VCF-style: chr2-108753483-G-T. GRCh37 (hg19) VCF-style: chr2-109369939-G-T.
Other names: short protein forms A659S.
Identifiers: ClinVar variation 1416151 (VCV001416151.9), dbSNP rs1676066238, ClinGen allele CA348053121.